The following is an entry in ClinVar:

ClinVar aggregate classification (germline): Uncertain significance (1 of 4 stars; one submission).

Allele frequency attached by ClinVar (database versions not stated): TOPMed below 0.00001.

Submission:

Labcorp Genetics (formerly Invitae), Labcorp
Classification: Uncertain significance. Last evaluated: 2024-06-03. Review status: criteria provided, single submitter. Criteria: Invitae Variant Classification Sherloc (09022015). Collection method: clinical testing. Allele origin: germline.
Comment: This sequence change replaces lysine, which is basic and polar, with arginine, which is basic and polar, at codon 2358 of the TRRAP protein (p.Lys2358Arg). This variant is not present in population databases (gnomAD no frequency). This variant has not been reported in the literature in individuals affected with TRRAP-related conditions. ClinVar contains an entry for this variant (Variation ID: 1939670). Advanced modeling of protein sequence and biophysical properties (such as structural, functional, and spatial information, amino acid conservation, physicochemical variation, residue mobility, and thermodynamic stability) performed at Invitae indicates that this missense variant is not expected to disrupt TRRAP protein function with a negative predictive value of 80%. In summary, the available evidence is currently insufficient to determine the role of this variant in disease. Therefore, it has been classified as a Variant of Uncertain Significance.

NM_001375524.1(TRRAP):c.7148A>G (p.Lys2383Arg)

Gene: TRRAP (transformation/transcription domain associated protein; plus strand). Cytogenetic location: 7q22.1.
Variant type: single nucleotide variant.
Coding change: c.7148A>G on transcript NM_001375524.1 (MANE Select); coding-DNA position 7148, A replaced by G.
Protein change: p.Lys2383Arg; replaces lysine 2383 with arginine.
Molecular consequence: missense variant.
Genome position (GRCh38, 1-based): chr7:98,965,867, A>G. VCF-style: chr7-98965867-A-G. GRCh37 (hg19) VCF-style: chr7-98563490-A-G.
Other names: c.7127A>G, p.Lys2376Arg (NM_001244580.2); c.7073A>G, p.Lys2358Arg (NM_003496.4); short protein forms K2358R, K2376R, K2383R.
Identifiers: ClinVar variation 1939670 (VCV001939670.5), dbSNP rs1304521293, ClinGen allele CA368291054.
Genomic context (GRCh38, chr7:98,965,867, plus strand): 5'-AAAAATCACCAGATGCCAAAATCCTCCGGGCTGTGGTCAAAATCGTGGAAGAATGGGTCA[A>G]GAATAACTCCCCAATGGCAGCCAATCAGGTGAGCTGGGACGGTGTGCCATGTGATCTCCC-3'
Protein context (NP_001362453.1, residues 2373-2393): AVVKIVEEWV[Lys2383Arg]NNSPMAANQT